The following is an entry in ClinVar:

ClinVar aggregate classification (germline): Uncertain significance (1 of 4 stars; one submission).

Conditions:
EHHADH-related disorder. Also called: EHHADH-related condition.

gnomAD v4.1: 10 of 1,595,126 alleles (0.00063%); highest among the groups gnomAD compares: African/African-American, 0.0014%; no homozygotes.

Submission:

PreventionGenetics, part of Exact Sciences
Classification: Uncertain significance for EHHADH-related condition. Last evaluated: 2025-08-28. Review status: criteria provided, single submitter. Criteria: ACMG Guidelines, 2015. Collection method: clinical testing. Allele origin: germline.
Comment: The EHHADH c.568+1G>A variant is predicted to disrupt the GT donor site and interfere with normal splicing. However, loss of function is not an established mechanism of EHHADH-related disease. To our knowledge, this variant has not been reported in the literature. This variant is reported in 0.0018% of alleles in individuals of European (Non-Finnish) descent in gnomAD. At this time, the clinical significance of this variant is uncertain due to the absence of conclusive functional and genetic evidence.

NM_001966.4(EHHADH):c.568+1G>A

Gene: EHHADH (enoyl-CoA hydratase and 3-hydroxyacyl CoA dehydrogenase; minus strand). Cytogenetic location: 3q27.2.
Variant type: single nucleotide variant.
Coding change: c.568+1G>A on transcript NM_001966.4 (MANE Select); the canonical splice donor site of the intron after coding-DNA position 568, G replaced by A.
Molecular consequence: splice donor variant.
Genome position (GRCh38, 1-based): chr3:185,218,135, C>T on the plus strand (G>A on the coding strand, the complement: EHHADH is on the minus strand). VCF-style: chr3-185218135-C-T. GRCh37 (hg19) VCF-style: chr3-184935923-C-T.
Other names: c.280+1G>A (NM_001166415.2).
Identifiers: ClinVar variation 4983413 (VCV004983413.1).
Genomic context (GRCh38, chr3:185,218,135, plus strand): 5'-TATTTAAATGAACATGTATCCTGTTTACAGTCTTTGGCTATTTTTATTATTATCTTCTTA[C>T]CTGAAACTCTCTGAGCAAATCTGATTGCTTCTTCAACCGGGTCTGAGTTTACAACTTTAT-3'